The following is an entry in ClinVar:

NM_000081.4(LYST):c.5094A>G (p.Pro1698=)

Gene: LYST (lysosomal trafficking regulator; minus strand). Cytogenetic location: 1q42.3.
Variant type: single nucleotide variant.
Coding change: c.5094A>G on transcript NM_000081.4 (MANE Select); coding-DNA position 5094, A replaced by G.
Protein change: p.Pro1698=; no amino-acid change (proline 1698 retained).
Molecular consequence: synonymous variant.
Genome position (GRCh38, 1-based): chr1:235,780,985, T>C on the plus strand (A>G on the coding strand, the complement: LYST is on the minus strand). VCF-style: chr1-235780985-T-C. GRCh37 (hg19) VCF-style: chr1-235944285-T-C.
Other names: c.5094A>G, p.Pro1698= (NM_001301365.1).
Identifiers: ClinVar variation 1927368 (VCV001927368.5), dbSNP rs2528032103, ClinGen allele CA423776891.

ClinVar aggregate classification (germline): Uncertain significance (1 of 4 stars; one submission).

Conditions:
Chédiak-Higashi syndrome (CHS). Also called: Chediak-Higashi Syndrome. Identifiers: Orphanet 167, MedGen C0007965, MONDO:0008963, OMIM 214500.

Allele frequency attached by ClinVar (database versions not stated): gnomAD exomes below 0.00001.
gnomAD v4.1: 2 of 1,611,034 alleles (0.00012%); highest among the groups gnomAD compares: South Asian, 0.0011%; no homozygotes.

Submission:

Labcorp Genetics (formerly Invitae), Labcorp
Classification: Uncertain significance for Chédiak-Higashi syndrome. Last evaluated: 2022-05-12. Review status: criteria provided, single submitter. Criteria: Invitae Variant Classification Sherloc (09022015). Collection method: clinical testing. Allele origin: germline.
Comment: In summary, the available evidence is currently insufficient to determine the role of this variant in disease. Therefore, it has been classified as a Variant of Uncertain Significance. Algorithms developed to predict the effect of sequence changes on RNA splicing suggest that this variant may disrupt the consensus splice site. This variant has not been reported in the literature in individuals affected with LYST-related conditions. This variant is not present in population databases (gnomAD no frequency). This sequence change affects codon 1698 of the LYST mRNA. It is a 'silent' change, meaning that it does not change the encoded amino acid sequence of the LYST protein.